The following is an entry in ClinVar:

NM_000256.3(MYBPC3):c.328_339del (p.Pro110_Ala113del)

Gene: MYBPC3 (myosin binding protein C3; minus strand). Cytogenetic location: 11p11.2.
Variant type: Deletion.
Coding change: c.328_339del on transcript NM_000256.3 (MANE Select); coding-DNA positions 328 to 339, 12 bases deleted (CCTGCTGAGGCC).
Protein change: p.Pro110_Ala113del.
Genome position (GRCh38, 1-based): chr11:47,350,569-47,350,580, GGCCTCAGCAGG deleted on the plus strand (CCTGCTGAGGCC on the coding strand, the reverse complement: MYBPC3 is on the minus strand); deleting any 12 consecutive bases within chr11:47,350,569-47,350,583 gives the same sequence; the c. name uses the placement nearest the transcript's 3' end. VCF-style (leftmost placement, unchanged base first): chr11-47350568-TGGCCTCAGCAGG-T. GRCh37 (hg19) VCF-style: chr11-47372119-TGGCCTCAGCAGG-T.
Identifiers: ClinVar variation 3387151 (VCV003387151.1).
Genomic context (GRCh38, chr11:47,350,568, plus strand): 5'-GACTTGGGGCACTTTCTCCCAGCTCAGCGGCTGGGGCCGGGGCTTCTCCAGGGGCTCCAG[TGGCCTCAGCAGG>T]GGCAGGGGCAGGGGCCAGCATGGGCTCTGCCTTCTCTGGAGGGGATCAGATGGGAGTCGT-3'

ClinVar aggregate classification (germline): Uncertain significance (1 of 4 stars; one submission).

Conditions:
Hypertrophic cardiomyopathy. Also called: HYPERTROPHIC MYOCARDIOPATHY. Identifiers: Orphanet 217569, MedGen C0007194, MeSH D002312, MONDO:0005045, HP:0001639.

Submission:

All of Us Research Program, National Institutes of Health
Classification: Uncertain significance for Hypertrophic cardiomyopathy. Last evaluated: 2024-02-22. Review status: criteria provided, single submitter. Criteria: ACMG Guidelines, 2015. Collection method: clinical testing. Allele origin: germline. Inheritance: Autosomal dominant inheritance. Observed: 1 variant allele, 1 heterozygote.
Comment: This variant causes an in-frame deletion of four amino acids at exon 3 of the MYBPC3 protein. To our knowledge, functional studies have not been reported for this variant. This variant has not been reported in individuals affected with MYBPC3-related disorders in the literature. This variant has not been identified in the general population by the Genome Aggregation Database (gnomAD). The available evidence is insufficient to determine the role of this variant in disease conclusively. Therefore, this variant is classified as a Variant of Uncertain Significance.

This study involves interpretation of variants in research participants for the purpose of population health screening. Participant phenotype was not available at the time of variant classification. Additional details can be found in publication PMID: 35346344, PMCID: PMC8962531